The following is an entry in ClinVar:

ClinVar aggregate classification (germline): Likely pathogenic (1 of 4 stars; one submission).

Submission:

Labcorp Genetics (formerly Invitae), Labcorp
Classification: Likely pathogenic. Last evaluated: 2023-10-22. Review status: criteria provided, single submitter. Criteria: Invitae Variant Classification Sherloc (09022015). Collection method: clinical testing. Allele origin: unknown.
Comment: This variant results in a copy number gain of the genomic region encompassing exon(s) 5 of the ABHD12 gene. While the exact position of this variant cannot be determined from the data, sub-genic copy number gains are generally in tandem (PMID: 25640679). This variant is predicted to be out-of-frame, and may result in an absent or disrupted protein product. Loss-of-function variants in ABHD12 are known to be pathogenic (PMID: 20797687). This variant has not been reported in the literature in individuals affected with ABHD12-related conditions. In summary, the currently available evidence indicates that the variant is pathogenic, but additional data are needed to prove that conclusively. Therefore, this variant has been classified as Likely Pathogenic.

Literature cited by the submitters: PubMed 25640679; PubMed 20797687.

NC_000020.10:g.(?_25297664)_(25297734_?)dup

Gene: ABHD12 (abhydrolase domain containing 12, lysophospholipase; minus strand). Cytogenetic location: 20p11.21.
Variant type: Duplication.
Identifiers: ClinVar variation 3248322 (VCV003248322.1).